The following is an entry in ClinVar:

NM_000038.6(APC):c.5216A>G (p.Lys1739Arg)

Gene: APC (APC regulator of Wnt signaling pathway; plus strand). Cytogenetic location: 5q22.2.
Variant type: single nucleotide variant.
Coding change: c.5216A>G on transcript NM_000038.6 (MANE Select); coding-DNA position 5216, A replaced by G.
Protein change: p.Lys1739Arg; replaces lysine 1739 with arginine.
Molecular consequence: missense variant.
Genome position (GRCh38, 1-based): chr5:112,840,810, A>G. VCF-style: chr5-112840810-A-G. GRCh37 (hg19) VCF-style: chr5-112176507-A-G.
Other names: c.5216A>G, p.Lys1739Arg (NM_001127510.3, NM_001354895.2); c.5162A>G, p.Lys1721Arg (NM_001127511.3); c.5270A>G, p.Lys1757Arg (NM_001354896.2); c.5246A>G, p.Lys1749Arg (NM_001354897.2); c.5141A>G, p.Lys1714Arg (NM_001354898.2); c.5132A>G, p.Lys1711Arg (NM_001354899.2); c.5093A>G, p.Lys1698Arg (NM_001354900.2); c.5039A>G, p.Lys1680Arg (NM_001354901.2); and 5 more; short protein forms K1721R, K1739R, K1456R, K1749R, K1579R, K1613R, K1648R, K1698R.
Identifiers: ClinVar variation 184596 (VCV000184596.32), dbSNP rs769558291, ClinGen allele CA009933.

ClinVar aggregate classification (germline): Conflicting classifications of pathogenicity. Review status: criteria provided, conflicting classifications (1 of 4 stars). 12 submissions from 12 submitters: Uncertain significance (10); Likely benign (1). 1 of the submissions does not count toward it. Last evaluated 2025-11-23.

Conditions:
Desmoid disease, hereditary (DESMD). Also called: FIBROMATOSIS, FAMILIAL INFILTRATIVE. Identifiers: Orphanet 873, MedGen C1851124, OMIM 135290. Disease mechanism: loss of function.
Gastric adenocarcinoma and proximal polyposis of the stomach (GAPPS). Also called: Polyposis, gastric, Dos Santos and de Magalhaes 1980; Gastric Adenocarcinoma and Proximal Polyposis of the Stomach (GAPPS); POLYPOSIS, GASTRIC. Identifiers: Orphanet 314022, MedGen C4749917, MONDO:0017790, OMIM 619182.
Hepatocellular carcinoma (HCC). Also called: Primary carcinoma of liver; HEPATOMA; LIVER CELL CARCINOMA. Identifiers: Orphanet 88673, MedGen C2239176, MONDO:0007256, OMIM 114550, HP:0001402.
Gastric cancer. Also called: Stomach cancer; Malignant tumor of stomach. Identifiers: MedGen C0024623, MeSH D013274, MONDO:0001056, OMIM 613659, HP:0012126.
Colorectal cancer. Also called: Colorectal cancer, somatic; Malignant Colorectal Neoplasm. Identifiers: MedGen C0346629, MONDO:0005575, OMIM 114500.
Familial adenomatous polyposis 1 (FAP1). Also called: FAMILIAL ADENOMATOUS POLYPOSIS 1, ATTENUATED; POLYPOSIS, ADENOMATOUS INTESTINAL. Identifiers: MedGen C2713442, MONDO:0021056, OMIM 175100. Disease mechanism: loss of function.
Classic or attenuated familial adenomatous polyposis. Identifiers: MedGen CN372698, MONDO:0021057.
Hereditary cancer-predisposing syndrome. Also called: Tumor predisposition; Neoplastic Syndromes, Hereditary; Hereditary Cancer Syndrome; Hereditary neoplastic syndrome. Identifiers: Orphanet 140162, MedGen C0027672, MeSH D009386, MONDO:0015356.

Allele frequency attached by ClinVar (database versions not stated): ExAC 0.00001; TOPMed 0.00002; gnomAD 0.00006.
gnomAD v4.1: 72 of 1,614,044 alleles (0.0045%); highest among the groups gnomAD compares: Non-Finnish European, 0.0059%; no homozygotes.

Submissions (12):

Labcorp Genetics (formerly Invitae), Labcorp
Classification: Uncertain significance for Familial adenomatous polyposis 1. Last evaluated: 2025-11-23. Review status: criteria provided, single submitter. Criteria: Invitae Variant Classification Sherloc (09022015). Collection method: clinical testing. Allele origin: germline.
Comment: This sequence change replaces lysine, which is basic and polar, with arginine, which is basic and polar, at codon 1739 of the APC protein (p.Lys1739Arg). This variant is present in population databases (rs769558291, gnomAD 0.004%). This variant has not been reported in the literature in individuals affected with APC-related conditions. ClinVar contains an entry for this variant (Variation ID: 184596). Invitae Evidence Modeling of protein sequence and biophysical properties (such as structural, functional, and spatial information, amino acid conservation, physicochemical variation, residue mobility, and thermodynamic stability) indicates that this missense variant is not expected to disrupt APC protein function with a negative predictive value of 95%. In summary, the available evidence is currently insufficient to determine the role of this variant in disease. Therefore, it has been classified as a Variant of Uncertain Significance.

Color Diagnostics, LLC DBA Color Health
Classification: Uncertain significance for Hereditary cancer-predisposing syndrome. Last evaluated: 2025-06-12. Review status: criteria provided, single submitter. Criteria: ACMG Guidelines, 2015. Collection method: clinical testing. Allele origin: germline.
Comment: This missense variant replaces lysine with arginine at codon 1739 of the APC protein. Computational prediction suggests that this variant may not impact protein structure and function. To our knowledge, functional studies have not been reported for this variant. This variant has not been reported in individuals affected with APC-related disorders in the literature. This variant has been identified in 4/282064 chromosomes in the general population by the Genome Aggregation Database (gnomAD). The available evidence is insufficient to determine the role of this variant in disease conclusively. Therefore, this variant is classified as a Variant of Uncertain Significance.

Quest Diagnostics Nichols Institute San Juan Capistrano
Classification: Uncertain significance. Last evaluated: 2024-03-28. Review status: criteria provided, single submitter. Criteria: Quest Diagnostics criteria. Collection method: clinical testing. Allele origin: unknown.
Comment: The APC c.5216A>G (p.Lys1739Arg) variant has been reported in the published literature in an individual undergoing genetic testing for hereditary breast/ovarian cancer (PMID: 38136308 (2023)). The frequency of this variant in the general population, 0.000023 (3/128490 chromosomes (Genome Aggregation Database)), is uninformative in the assessment of its pathogenicity. Analysis of this variant using bioinformatics tools for the prediction of the effect of amino acid changes on protein structure and function yielded predictions that this variant is damaging. Based on the available information, we are unable to determine the clinical significance of this variant.

Fulgent Genetics
Classification: Uncertain significance for Colorectal cancer; Hepatocellular carcinoma; Desmoid disease, hereditary; Familial adenomatous polyposis 1; Gastric cancer; Gastric adenocarcinoma and proximal polyposis of the stomach. Last evaluated: 2024-03-07. Review status: criteria provided, single submitter. Criteria: ACMG Guidelines, 2015. Collection method: clinical testing. Allele origin: germline.

GeneDx
Classification: Uncertain significance. Last evaluated: 2024-02-25. Review status: criteria provided, single submitter. Criteria: GeneDx Variant Classification Process June 2021. Collection method: clinical testing. Allele origin: germline.
Comment: Not observed at significant frequency in large population cohorts (gnomAD); In silico analysis supports that this missense variant does not alter protein structure/function; Identified in a patient referred for genetic testing for hereditary breast and ovarian cancer (HBOC) (PMID: 38136308); This variant is associated with the following publications: (PMID: 18199528, 38136308)

Baylor Genetics
Classification: Uncertain significance for Familial adenomatous polyposis 1. Last evaluated: 2024-02-20. Review status: criteria provided, single submitter. Criteria: ACMG Guidelines, 2015. Collection method: clinical testing. Allele origin: unknown.

All of Us Research Program, National Institutes of Health
Classification: Uncertain significance for Classic or attenuated familial adenomatous polyposis. Last evaluated: 2024-01-08. Review status: criteria provided, single submitter. Criteria: ACMG Guidelines, 2015. Collection method: clinical testing. Allele origin: germline. Inheritance: Autosomal dominant inheritance. Observed: 7 variant alleles, 7 heterozygotes.
Comment: This missense variant replaces lysine with arginine at codon 1739 of the APC protein. Computational prediction suggests that this variant may not impact protein structure and function (internally defined REVEL score threshold <= 0.5, PMID: 27666373). To our knowledge, functional studies have not been reported for this variant. This variant has not been reported in individuals affected with APC-related disorders in the literature. This variant has been identified in 4/282064 chromosomes in the general population by the Genome Aggregation Database (gnomAD). The available evidence is insufficient to determine the role of this variant in disease conclusively. Therefore, this variant is classified as a Variant of Uncertain Significance.

This study involves interpretation of variants in research participants for the purpose of population health screening. Participant phenotype was not available at the time of variant classification. Additional details can be found in publication PMID: 35346344, PMCID: PMC8962531

Myriad Genetics, Inc.
Classification: Uncertain significance for Familial adenomatous polyposis 1. Last evaluated: 2023-02-17. Review status: criteria provided, single submitter. Criteria: Myriad Autosomal Dominant, Autosomal Recessive and X-Linked Classification Criteria (2023). Collection method: clinical testing. Allele origin: unknown.
Comment: This variant is classified as a variant of uncertain significance as there is insufficient evidence to determine its impact on protein function and/or cancer risk.

Sema4
Classification: Uncertain significance for Hereditary cancer-predisposing syndrome. Last evaluated: 2021-08-18. Review status: criteria provided, single submitter. Criteria: Sema4 Curation Guidelines. Collection method: curation. Allele origin: germline.
Comment: To the best of our knowledge, the APC c.5216A>G (p.K1739R) variant has not been reported in individuals with APC-related disease. It was observed in 1/24930 chromosomes of the African/African American subpopulation in the large and broad cohorts of the Genome Aggregation Database (PMID: 32461654). The variant has been reported in ClinVar (Variation ID 184596). Functional studies have not been performed, and in silico predictions of the variant's effect on protein function are inconclusive. The evidence is insufficient to meet ACMG/AMP criteria for classifying the variant as benign or pathogenic. Thus, the clinical significance of this variant is currently uncertain.

Ambry Genetics
Classification: Likely benign for Hereditary cancer-predisposing syndrome. Last evaluated: 2020-08-11. Review status: criteria provided, single submitter. Criteria: Ambry Variant Classification Scheme 2023. Collection method: clinical testing. Allele origin: germline.

Women's Health and Genetics/Laboratory Corporation of America, LabCorp
Classification: Uncertain significance. Last evaluated: 2019-11-08. Review status: criteria provided, single submitter. Criteria: LabCorp Variant Classification Summary - May 2015. Collection method: clinical testing. Allele origin: germline.
Comment: Variant summary: APC c.5216A>G (p.Lys1739Arg) results in a conservative amino acid change in the encoded protein sequence. Three of five in-silico tools predict a damaging effect of the variant on protein function. The variant allele was found at a frequency of 8e-06 in 250664 control chromosomes (gnomAD). The available data on variant occurrences in the general population are insufficient to allow any conclusion about variant significance. To our knowledge, no occurrence of c.5216A>G in individuals affected with Familial Adenomatous Polyposis and no experimental evidence demonstrating an impact on protein function have been reported. Four clinical diagnostic laboratories have submitted clinical-significance assessments for this variant to ClinVar (evaluation after 2014) and cited the variant as uncertain significance. Based on the evidence outlined above, the variant was classified as uncertain significance.

Counsyl
Classification: Uncertain significance for Familial adenomatous polyposis 1. Last evaluated: 2016-09-07. Review status: no assertion criteria provided. Collection method: clinical testing. Allele origin: unknown. Not counted in ClinVar's aggregate classification.

Literature cited by the submitters: PubMed 38136308 (cited by Quest Diagnostics Nichols Institute San Juan Capistrano).